The following is an entry in ClinVar:

ClinVar aggregate classification (germline): Uncertain significance. Review status: criteria provided, multiple submitters, no conflicts (2 of 4 stars). 6 submissions from 6 submitters: Uncertain significance (6). Last evaluated 2025-08-07.

Conditions:
Rhizomelic chondrodysplasia punctata type 2 (RCDP2). Also called: DIHYDROXYACETONEPHOSPHATE ACYLTRANSFERASE DEFICIENCY; glyceronephosphate O-acyltransferase (GNPAT) deficiency; Glyceronephosphate O-acyltransferase deficiency; DHAPAT DEFICIENCY; PEROXISOMAL DIHYDROXYACETONEPHOSPHATE ACYLTRANSFERASE DEFICIENCY; Chondrodysplasia punctata, rhizomelic, due to dihydroxyacetonephosphate acyltransferase deficiency. Identifiers: Orphanet 177, Orphanet 309796, MedGen C1857242, MONDO:0100273, OMIM 222765. Disease mechanism: loss of function.
Inborn genetic diseases. Identifiers: MedGen C0950123, MeSH D030342.

Allele frequency attached by ClinVar (database versions not stated): ExAC 0.00014; gnomAD 0.00014; TOPMed 0.00015; gnomAD exomes 0.00018 and 0.00027.
gnomAD v4.1: 420 of 1,573,038 alleles (0.027%); highest among the groups gnomAD compares: Non-Finnish European, 0.034%; no homozygotes.

Submissions (6):

Ambry Genetics
Classification: Uncertain significance for Inborn genetic diseases. Last evaluated: 2025-08-07. Review status: criteria provided, single submitter. Criteria: Ambry Variant Classification Scheme 2023. Collection method: clinical testing. Allele origin: germline.

GeneDx
Classification: Uncertain significance. Last evaluated: 2024-08-19. Review status: criteria provided, single submitter. Criteria: GeneDx Variant Classification Process June 2021. Collection method: clinical testing. Allele origin: germline. Affected: yes.
Comment: In silico analysis indicates that this missense variant does not alter protein structure/function; Has not been previously published as pathogenic or benign to our knowledge

Blueprint Genetics
Classification: Uncertain significance. Last evaluated: 2023-09-01. Review status: criteria provided, single submitter. Criteria: ACMG Guidelines, 2015. Collection method: clinical testing. Allele origin: germline.

Labcorp Genetics (formerly Invitae), Labcorp
Classification: Uncertain significance. Last evaluated: 2022-10-28. Review status: criteria provided, single submitter. Criteria: Invitae Variant Classification Sherloc (09022015). Collection method: clinical testing. Allele origin: germline.
Comment: This sequence change replaces glutamine, which is neutral and polar, with lysine, which is basic and polar, at codon 358 of the GNPAT protein (p.Gln358Lys). This variant is present in population databases (rs200830930, gnomAD 0.03%). This variant has not been reported in the literature in individuals affected with GNPAT-related conditions. ClinVar contains an entry for this variant (Variation ID: 296122). Advanced modeling of protein sequence and biophysical properties (such as structural, functional, and spatial information, amino acid conservation, physicochemical variation, residue mobility, and thermodynamic stability) performed at Invitae indicates that this missense variant is not expected to disrupt GNPAT protein function. In summary, the available evidence is currently insufficient to determine the role of this variant in disease. Therefore, it has been classified as a Variant of Uncertain Significance.

Baylor Genetics
Classification: Uncertain significance for Rhizomelic chondrodysplasia punctata type 2. Last evaluated: 2020-02-10. Review status: criteria provided, single submitter. Criteria: ACMG Guidelines, 2015. Collection method: clinical testing. Allele origin: unknown. Affected: yes.
Comment: This variant was determined to be of uncertain significance according to ACMG Guidelines, 2015 [PMID:25741868].

Illumina Laboratory Services, Illumina
Classification: Uncertain significance for Rhizomelic chondrodysplasia punctata type 2. Last evaluated: 2018-01-13. Review status: criteria provided, single submitter. Criteria: ICSL Variant Classification Criteria 13 December 2019. Collection method: clinical testing. Allele origin: germline.

NM_014236.4(GNPAT):c.1072C>A (p.Gln358Lys)

Gene: GNPAT (glyceronephosphate O-acyltransferase; plus strand). Cytogenetic location: 1q42.2.
Variant type: single nucleotide variant.
Coding change: c.1072C>A on transcript NM_014236.4 (MANE Select); coding-DNA position 1072, C replaced by A.
Protein change: p.Gln358Lys; replaces glutamine 358 with lysine.
Molecular consequence: missense variant.
Genome position (GRCh38, 1-based): chr1:231,267,696, C>A. VCF-style: chr1-231267696-C-A. GRCh37 (hg19) VCF-style: chr1-231403442-C-A.
Other names: c.889C>A, p.Gln297Lys (NM_001316350.2); short protein forms Q358K, Q297K.
Identifiers: ClinVar variation 296122 (VCV000296122.11), dbSNP rs200830930, ClinGen allele CA1451969.
Genomic context (GRCh38, chr1:231,267,696, plus strand): 5'-AAGTAACAGAACTGTAATTTGTTGCTCTGTGCTCTTCCTTTTAGATACATTCCTCAGAAA[C>A]AGTCTGAGGACATGCATGCCTTTGTCACTGAAGTTGCCTACAAAATGGAGCTTCTGCAAA-3'
Protein context (NP_055051.1, residues 348-368): NLVPRYIPQK[Gln358Lys]SEDMHAFVTE